The following is an entry in ClinVar:

ClinVar aggregate classification (germline): Uncertain significance (1 of 4 stars; one submission).

Conditions:
Joubert syndrome 20 (JBTS20). Identifiers: Orphanet 475, MedGen C3554235, MONDO:0013994, OMIM 614970.
Meckel syndrome, type 11 (MKS11). Identifiers: Orphanet 564, MedGen C3809352, MONDO:0014164, OMIM 615397.

Allele frequency attached by ClinVar (database versions not stated): TOPMed 0.00001; gnomAD 0.00002; ExAC 0.00007.
gnomAD v4.1: 35 of 1,613,308 alleles (0.0022%); highest among the groups gnomAD compares: South Asian, 0.035%; no homozygotes.

Submission:

Labcorp Genetics (formerly Invitae), Labcorp
Classification: Uncertain significance for Joubert syndrome 20; Meckel syndrome, type 11. Last evaluated: 2022-04-11. Review status: criteria provided, single submitter. Criteria: Invitae Variant Classification Sherloc (09022015). Collection method: clinical testing. Allele origin: germline.
Comment: This sequence change replaces methionine, which is neutral and non-polar, with valine, which is neutral and non-polar, at codon 318 of the TMEM231 protein (p.Met318Val). This variant is present in population databases (rs766469530, gnomAD 0.04%). This variant has not been reported in the literature in individuals affected with TMEM231-related conditions. Algorithms developed to predict the effect of missense changes on protein structure and function are either unavailable or do not agree on the potential impact of this missense change (SIFT: "Tolerated"; PolyPhen-2: "Not Available"; Align-GVGD: "Class C0"). In summary, the available evidence is currently insufficient to determine the role of this variant in disease. Therefore, it has been classified as a Variant of Uncertain Significance.

NM_001077418.3(TMEM231):c.793A>G (p.Met265Val)

Gene: TMEM231 (transmembrane protein 231; minus strand). Cytogenetic location: 16q23.1.
Variant type: single nucleotide variant.
Coding change: c.793A>G on transcript NM_001077418.3 (MANE Select); coding-DNA position 793, A replaced by G.
Protein change: p.Met265Val; replaces methionine 265 with valine.
Molecular consequence: missense variant. On other transcripts: non-coding transcript variant (1).
Genome position (GRCh38, 1-based): chr16:75,540,152, T>C on the plus strand (A>G on the coding strand, the complement: TMEM231 is on the minus strand). VCF-style: chr16-75540152-T-C. GRCh37 (hg19) VCF-style: chr16-75574050-T-C.
Other names: c.952A>G, p.Met318Val (NM_001077416.2); short protein forms M265V, M318V.
Identifiers: ClinVar variation 2041174 (VCV002041174.1), dbSNP rs766469530, ClinGen allele CA8176019.